The following is an entry in ClinVar:

ClinVar aggregate classification (germline): Uncertain significance (1 of 4 stars; one submission).

Conditions:
Cardiovascular phenotype. Identifiers: MedGen CN230736.

gnomAD v4.1: 1 of 1,613,988 alleles (0.000062%); highest among the groups gnomAD compares: Non-Finnish European, 0.000085%; no homozygotes.

Submission:

Ambry Genetics
Classification: Uncertain significance for Cardiovascular phenotype. Last evaluated: 2025-08-12. Review status: criteria provided, single submitter. Criteria: Ambry Variant Classification Scheme 2023. Collection method: clinical testing. Allele origin: germline.
Comment: The p.M73T variant (also known as c.218T>C), located in coding exon 3 of the ABCG8 gene, results from a T to C substitution at nucleotide position 218. The methionine at codon 73 is replaced by threonine, an amino acid with similar properties. This amino acid position is conserved. In addition, this alteration is predicted to be tolerated by in silico analysis. Based on the available evidence, the clinical significance of this variant remains unclear.

NM_022437.3(ABCG8):c.218T>C (p.Met73Thr)

Gene: ABCG8 (ATP binding cassette subfamily G member 8; plus strand). Cytogenetic location: 2p21.
Variant type: single nucleotide variant.
Coding change: c.218T>C on transcript NM_022437.3 (MANE Select); coding-DNA position 218, T replaced by C.
Protein change: p.Met73Thr; replaces methionine 73 with threonine.
Molecular consequence: missense variant.
Genome position (GRCh38, 1-based): chr2:43,846,207, T>C. VCF-style: chr2-43846207-T-C. GRCh37 (hg19) VCF-style: chr2-44073346-T-C.
Other names: c.218T>C, p.Met73Thr (NM_001357321.2); short protein forms M73T.
Identifiers: ClinVar variation 4151114 (VCV004151114.1).